The following is an entry in ClinVar:

NM_014008.5(CCDC22):c.1060G>A (p.Asp354Asn)

Gene: CCDC22 (CCC complex scaffolding subunit CCDC22; plus strand). Cytogenetic location: Xp11.23.
Variant type: single nucleotide variant.
Coding change: c.1060G>A on transcript NM_014008.5 (MANE Select); coding-DNA position 1060, G replaced by A.
Protein change: p.Asp354Asn; replaces aspartic acid 354 with asparagine.
Molecular consequence: missense variant.
Genome position (GRCh38, 1-based): chrX:49,247,736, G>A. VCF-style: chrX-49247736-G-A. GRCh37 (hg19) VCF-style: chrX-49104197-G-A.
Other names: short protein forms D354N.
Identifiers: ClinVar variation 5002677 (VCV005002677.1).

ClinVar aggregate classification (germline): Uncertain significance (1 of 4 stars; one submission).

Conditions:
Ritscher-Schinzel syndrome 2. Identifiers: Orphanet 7, MedGen C4225419, MONDO:0010499, OMIM 300963.

Submission:

OLLIN Analises Genomicas, OLLIN
Classification: Uncertain significance for Ritscher-Schinzel syndrome 2. Last evaluated: 2026-08-06. Review status: criteria provided, single submitter. Criteria: ACMG Guidelines 2015 PMID 25741868. Collection method: clinical testing. Allele origin: germline. Inheritance: X-linked inheritance.
Comment: This missense variant, located in exon 9 (of 17), has been observed in gnomAD with an allele frequency of 0.00033%, but has not been reported in ClinVar or identified in the literature. In silico analysis predicts that this variant has a tolerated effect. According to the currently available evidence, this variant has been classified as uncertain significance (PM2_P, BP4_M).